The following is an entry in ClinVar:

ClinVar aggregate classification (germline): Benign/Likely benign. Review status: criteria provided, multiple submitters, no conflicts (2 of 4 stars). 7 submissions from 7 submitters: Benign (1); Likely benign (6). Last evaluated 2026-01-18.

Conditions:
Hereditary cancer-predisposing syndrome. Also called: Neoplastic Syndromes, Hereditary; Tumor predisposition; Hereditary Cancer Syndrome; Hereditary neoplastic syndrome. Identifiers: Orphanet 140162, MedGen C0027672, MeSH D009386, MONDO:0015356.
Classic or attenuated familial adenomatous polyposis. Identifiers: MedGen CN372698, MONDO:0021057.
Familial adenomatous polyposis 1 (FAP1). Also called: FAMILIAL ADENOMATOUS POLYPOSIS 1, ATTENUATED; POLYPOSIS, ADENOMATOUS INTESTINAL. Identifiers: MedGen C2713442, MONDO:0021056, OMIM 175100. Disease mechanism: loss of function.

Allele frequency attached by ClinVar (database versions not stated): gnomAD 0.00001; gnomAD exomes 0.00001.
gnomAD v4.1: 4 of 1,614,018 alleles (0.00025%); highest among the groups gnomAD compares: Non-Finnish European, 0.00034%; no homozygotes.

Submissions (7):

Labcorp Genetics (formerly Invitae), Labcorp
Classification: Likely benign for Familial adenomatous polyposis 1. Last evaluated: 2026-01-18. Review status: criteria provided, single submitter. Criteria: Invitae Variant Classification Sherloc (09022015). Collection method: clinical testing. Allele origin: germline.

Quest Diagnostics Nichols Institute San Juan Capistrano
Classification: Likely benign. Last evaluated: 2025-09-04. Review status: criteria provided, single submitter. Criteria: Quest Diagnostics criteria. Collection method: clinical testing. Allele origin: unknown.

All of Us Research Program, National Institutes of Health
Classification: Likely benign for Classic or attenuated familial adenomatous polyposis. Last evaluated: 2024-07-10. Review status: criteria provided, single submitter. Criteria: ACMG Guidelines, 2015. Collection method: clinical testing. Allele origin: germline. Inheritance: Autosomal dominant inheritance. Observed: 1 variant allele, 1 heterozygote.
Comment: This study involves interpretation of variants in research participants for the purpose of population health screening. Participant phenotype was not available at the time of variant classification. Additional details can be found in publication PMID: 35346344, PMCID: PMC8962531

Myriad Genetics, Inc.
Classification: Benign for Familial adenomatous polyposis 1. Last evaluated: 2024-03-27. Review status: criteria provided, single submitter. Criteria: Myriad Autosomal Dominant, Autosomal Recessive and X-Linked Classification Criteria (2023). Collection method: clinical testing. Allele origin: unknown.
Comment: This variant is considered benign. This variant is a silent/synonymous amino acid change and it is not expected to impact splicing.

Women's Health and Genetics/Laboratory Corporation of America, LabCorp
Classification: Likely benign. Last evaluated: 2019-11-02. Review status: criteria provided, single submitter. Criteria: LabCorp Variant Classification Summary - May 2015. Collection method: clinical testing. Allele origin: germline.

Color Diagnostics, LLC DBA Color Health
Classification: Likely benign for Hereditary cancer-predisposing syndrome. Last evaluated: 2018-06-01. Review status: criteria provided, single submitter. Criteria: ACMG Guidelines, 2015. Collection method: clinical testing. Allele origin: germline.

Ambry Genetics
Classification: Likely benign for Hereditary cancer-predisposing syndrome. Last evaluated: 2016-03-16. Review status: criteria provided, single submitter. Criteria: Ambry Variant Classification Scheme 2023. Collection method: clinical testing. Allele origin: germline.

NM_000038.6(APC):c.4443T>C (p.Val1481=)

Gene: APC (APC regulator of Wnt signaling pathway; plus strand). Cytogenetic location: 5q22.2.
Variant type: single nucleotide variant.
Coding change: c.4443T>C on transcript NM_000038.6 (MANE Select); coding-DNA position 4443, T replaced by C.
Protein change: p.Val1481=; no amino-acid change (valine 1481 retained).
Molecular consequence: synonymous variant.
Genome position (GRCh38, 1-based): chr5:112,840,037, T>C. VCF-style: chr5-112840037-T-C. GRCh37 (hg19) VCF-style: chr5-112175734-T-C.
Other names: c.4443T>C, p.Val1481= (NM_001127510.3, NM_001354895.2); c.4389T>C, p.Val1463= (NM_001127511.3); c.4497T>C, p.Val1499= (NM_001354896.2); c.4473T>C, p.Val1491= (NM_001354897.2); c.4368T>C, p.Val1456= (NM_001354898.2); c.4359T>C, p.Val1453= (NM_001354899.2); c.4320T>C, p.Val1440= (NM_001354900.2); c.4266T>C, p.Val1422= (NM_001354901.2); and 5 more.
Identifiers: ClinVar variation 482281 (VCV000482281.22), dbSNP rs1241257709, ClinGen allele CA446206479.